The following is an entry in ClinVar:

ClinVar aggregate classification (germline): Uncertain significance (1 of 4 stars; one submission).

Conditions:
Spermatogenic failure 18. Identifiers: MedGen C4539783, MONDO:0054615, OMIM 617576.
Ciliary dyskinesia, primary, 37 (CILD37). Also called: CILIARY DYSKINESIA, PRIMARY, 37, WITH OR WITHOUT SITUS INVERSUS. Identifiers: MedGen C4539798, MONDO:0033204, OMIM 617577.

gnomAD v4.1: 8 of 1,613,566 alleles (0.0005%); highest among the groups gnomAD compares: Admixed American, 0.0017%; no homozygotes.

Submission:

Labcorp Genetics (formerly Invitae), Labcorp
Classification: Uncertain significance for Ciliary dyskinesia, primary, 37; Spermatogenic failure 18. Last evaluated: 2024-10-21. Review status: criteria provided, single submitter. Criteria: Invitae Variant Classification Sherloc (09022015). Collection method: clinical testing. Allele origin: germline.
Comment: This sequence change replaces leucine, which is neutral and non-polar, with valine, which is neutral and non-polar, at codon 1227 of the DNAH1 protein (p.Leu1227Val). This variant is present in population databases (rs764258719, gnomAD 0.002%). This variant has not been reported in the literature in individuals affected with DNAH1-related conditions. Invitae Evidence Modeling of protein sequence and biophysical properties (such as structural, functional, and spatial information, amino acid conservation, physicochemical variation, residue mobility, and thermodynamic stability) indicates that this missense variant is not expected to disrupt DNAH1 protein function with a negative predictive value of 80%. In summary, the available evidence is currently insufficient to determine the role of this variant in disease. Therefore, it has been classified as a Variant of Uncertain Significance.

NM_015512.5(DNAH1):c.3679C>G (p.Leu1227Val)

Gene: DNAH1 (dynein axonemal heavy chain 1; plus strand). Cytogenetic location: 3p21.1.
Variant type: single nucleotide variant.
Coding change: c.3679C>G on transcript NM_015512.5 (MANE Select); coding-DNA position 3679, C replaced by G.
Protein change: p.Leu1227Val; replaces leucine 1227 with valine.
Molecular consequence: missense variant.
Genome position (GRCh38, 1-based): chr3:52,355,041, C>G. VCF-style: chr3-52355041-C-G. GRCh37 (hg19) VCF-style: chr3-52389057-C-G.
Other names: short protein forms L1227V.
Identifiers: ClinVar variation 3760530 (VCV003760530.2).